The following is an entry in ClinVar:

NM_024675.4(PALB2):c.1925T>C (p.Met642Thr)

Gene: PALB2 (partner and localizer of BRCA2; minus strand). Cytogenetic location: 16p12.2.
Variant type: single nucleotide variant.
Coding change: c.1925T>C on transcript NM_024675.4 (MANE Select); coding-DNA position 1925, T replaced by C.
Protein change: p.Met642Thr; replaces methionine 642 with threonine.
Molecular consequence: missense variant.
Genome position (GRCh38, 1-based): chr16:23,630,229, A>G on the plus strand (T>C on the coding strand, the complement: PALB2 is on the minus strand). VCF-style: chr16-23630229-A-G. GRCh37 (hg19) VCF-style: chr16-23641550-A-G.
Other names: short protein forms M642T.
Identifiers: ClinVar variation 233411 (VCV000233411.10), dbSNP rs876660387, ClinGen allele CA7963644.

ClinVar aggregate classification (germline): Uncertain significance. Review status: criteria provided, multiple submitters, no conflicts (2 of 4 stars). 3 submissions from 3 submitters: Uncertain significance (3). Last evaluated 2025-12-29.

Conditions:
Hereditary cancer-predisposing syndrome. Also called: Neoplastic Syndromes, Hereditary; Tumor predisposition; Hereditary Cancer Syndrome; Hereditary neoplastic syndrome. Identifiers: Orphanet 140162, MedGen C0027672, MeSH D009386, MONDO:0015356.
Familial cancer of breast. Also called: BREAST CANCER, FAMILIAL; hereditary breast carcinoma; Hereditary breast cancer. Identifiers: Orphanet 227535, MedGen C0346153, MONDO:0016419, OMIM 114480. Disease mechanism: loss of function.

Allele frequency attached by ClinVar (database versions not stated): gnomAD exomes below 0.00001; ExAC 0.00001.
gnomAD v4.1: 2 of 1,614,156 alleles (0.00012%); highest among the groups gnomAD compares: South Asian, 0.0011%; no homozygotes.

Submissions (3):

Center for Genomic Medicine, Rigshospitalet, Copenhagen University Hospital
Classification: Uncertain significance. Last evaluated: 2025-12-29. Review status: criteria provided, single submitter. Criteria: ACMG Guidelines, 2015. Collection method: clinical testing. Allele origin: germline.
Comment: Classification criteria: BP1

Ambry Genetics
Classification: Uncertain significance for Hereditary cancer-predisposing syndrome. Last evaluated: 2025-01-20. Review status: criteria provided, single submitter. Criteria: Ambry Variant Classification Scheme 2023. Collection method: clinical testing. Allele origin: germline.
Comment: The p.M642T variant (also known as c.1925T>C), located in coding exon 5 of the PALB2 gene, results from a T to C substitution at nucleotide position 1925. The methionine at codon 642 is replaced by threonine, an amino acid with similar properties. This amino acid position is poorly conserved in available vertebrate species. In addition, this alteration is predicted to be tolerated by in silico analysis. Since supporting evidence is limited at this time, the clinical significance of this alteration remains unclear.

Labcorp Genetics (formerly Invitae), Labcorp
Classification: Uncertain significance for Familial cancer of breast. Last evaluated: 2024-04-15. Review status: criteria provided, single submitter. Criteria: Invitae Variant Classification Sherloc (09022015). Collection method: clinical testing. Allele origin: germline.
Comment: This sequence change replaces methionine, which is neutral and non-polar, with threonine, which is neutral and polar, at codon 642 of the PALB2 protein (p.Met642Thr). This variant is present in population databases (no rsID available, gnomAD 0.003%). This variant has not been reported in the literature in individuals affected with PALB2-related conditions. ClinVar contains an entry for this variant (Variation ID: 233411). Advanced modeling of protein sequence and biophysical properties (such as structural, functional, and spatial information, amino acid conservation, physicochemical variation, residue mobility, and thermodynamic stability) performed at Invitae indicates that this missense variant is not expected to disrupt PALB2 protein function with a negative predictive value of 80%. In summary, the available evidence is currently insufficient to determine the role of this variant in disease. Therefore, it has been classified as a Variant of Uncertain Significance.